The following is an entry in ClinVar:

NM_001354604.2(MITF):c.1179+94C>T

Gene: MITF (melanocyte inducing transcription factor; plus strand). Cytogenetic location: 3p13.
Variant type: single nucleotide variant.
Coding change: c.1179+94C>T on transcript NM_001354604.2 (MANE Select); 94 bases into the intron after coding-DNA position 1179, C replaced by T.
Molecular consequence: intron variant.
Genome position (GRCh38, 1-based): chr3:69,959,514, C>T. VCF-style: chr3-69959514-C-T. GRCh37 (hg19) VCF-style: chr3-70008665-C-T.
Other names: c.1110+94C>T (NM_001354607.2); c.1005+94C>T (NM_001354608.2, NM_001184967.2); c.1161+94C>T (NM_198159.3); c.1176+94C>T (NM_001354605.2); c.1158+94C>T (NM_001354606.2, NM_006722.3); c.1113+94C>T (NM_198177.3); c.858+94C>T (NM_000248.4); c.840+94C>T (NM_198158.3); and 1 more.
Identifiers: ClinVar variation 676955 (VCV000676955.2), dbSNP rs114827487, ClinGen allele CA77002920.
Genomic context (GRCh38, chr3:69,959,514, plus strand): 5'-TTTTACCGACTTCAAGACAGTAGAAACAGGGATATAATGAGCCATAGGGGAGTTGACTTA[C>T]GTGATCCTAACACAGTCAATCCTTATTATTTGTGGATTCTGTGTGTGTGAATTTGCCTAC-3'

ClinVar aggregate classification (germline): Likely benign. Review status: criteria provided, multiple submitters, no conflicts (2 of 4 stars). 2 submissions from 2 submitters: Likely benign (2). Last evaluated 2018-06-12.

Allele frequency attached by ClinVar (database versions not stated): gnomAD exomes 0.00058; 1000 Genomes Project 0.00399; 1000 Genomes Project 30x 0.00437; gnomAD 0.00566 and 0.00620; TOPMed 0.00629.
gnomAD v4.1: 1,646 of 1,444,506 alleles (0.11%); highest among the groups gnomAD compares: African/African-American, 1.9%; 11 homozygotes.

Submissions (2):

GeneDx
Classification: Likely benign. Last evaluated: 2018-06-12. Review status: criteria provided, single submitter. Criteria: GeneDx Variant Classification (06012015). Collection method: clinical testing. Allele origin: germline. Affected: yes.
Comment: This variant is considered likely benign or benign based on one or more of the following criteria: it is a conservative change, it occurs at a poorly conserved position in the protein, it is predicted to be benign by multiple in silico algorithms, and/or has population frequency not consistent with disease.

Breakthrough Genomics
Classification: Likely benign. Review status: criteria provided, single submitter. Criteria: ACMG Guidelines, 2015. Collection method: not provided. Allele origin: germline. Inheritance: Autosomal recessive inheritance. Affected: yes.